The following is an entry in ClinVar:

NM_005739.4(RASGRP1):c.794G>A (p.Arg265His)

Gene: RASGRP1 (RAS guanyl releasing protein 1; minus strand). Cytogenetic location: 15q14.
Variant type: single nucleotide variant.
Coding change: c.794G>A on transcript NM_005739.4 (MANE Select); coding-DNA position 794, G replaced by A.
Protein change: p.Arg265His; replaces arginine 265 with histidine.
Molecular consequence: missense variant.
Genome position (GRCh38, 1-based): chr15:38,512,838, C>T on the plus strand (G>A on the coding strand, the complement: RASGRP1 is on the minus strand). VCF-style: chr15-38512838-C-T. GRCh37 (hg19) VCF-style: chr15-38805039-C-T.
Other names: c.794G>A, p.Arg265His (NM_001128602.2, NM_001306086.2); short protein forms R265H.
Identifiers: ClinVar variation 2874372 (VCV002874372.2), dbSNP rs766659143, ClinGen allele CA7471042.

ClinVar aggregate classification (germline): Uncertain significance (1 of 4 stars; one submission).

Allele frequency attached by ClinVar (database versions not stated): ExAC 0.00001; gnomAD 0.00001; gnomAD exomes 0.00001; TOPMed 0.00001.
gnomAD v4.1: 22 of 1,613,558 alleles (0.0014%); highest among the groups gnomAD compares: Non-Finnish European, 0.0017%; no homozygotes.

Submission:

Labcorp Genetics (formerly Invitae), Labcorp
Classification: Uncertain significance. Last evaluated: 2025-01-23. Review status: criteria provided, single submitter. Criteria: Invitae Variant Classification Sherloc (09022015). Collection method: clinical testing. Allele origin: germline.
Comment: This sequence change replaces arginine, which is basic and polar, with histidine, which is basic and polar, at codon 265 of the RASGRP1 protein (p.Arg265His). The frequency data for this variant in the population databases is considered unreliable, as metrics indicate poor data quality at this position in the gnomAD database. This variant has not been reported in the literature in individuals affected with RASGRP1-related conditions. ClinVar contains an entry for this variant (Variation ID: 2874372). Invitae Evidence Modeling of protein sequence and biophysical properties (such as structural, functional, and spatial information, amino acid conservation, physicochemical variation, residue mobility, and thermodynamic stability) has been performed for this missense variant. However, the output from this modeling did not meet the statistical confidence thresholds required to predict the impact of this variant on RASGRP1 protein function. In summary, the available evidence is currently insufficient to determine the role of this variant in disease. Therefore, it has been classified as a Variant of Uncertain Significance.